The following continues an entry in ClinVar:

NM_000518.5(HBB):c.389C>T (p.Ala130Val)

ClinVar aggregate classification (germline): Conflicting classifications of pathogenicity. Pathogenic (2); Likely pathogenic (6); Uncertain significance (2).

Submissions 6 to 12 of 12:

ARUP Laboratories, Molecular Genetics and Genomics, ARUP Laboratories
Classification: Likely pathogenic. Last evaluated: 2025-06-18. Review status: criteria provided, single submitter. Criteria: ARUP Molecular Germline Variant Investigation Process 2024. Collection method: clinical testing. Allele origin: germline.
Comment: The Hb La Desirade variant (HBB: c.389C>T; p.Ala130Val, also known as Ala129Val when numbered from the mature protein; rs111645889, HbVar ID: 531, ClinVar Variation ID: 15245) has been reported in-trans to pathogenic HBB variants (Hb C, beta0-thalassemia, Hb E) in asymptomatic individuals (Merault 1986, Kamseng 2017). However, when found in-trans with Hb S, variable presentations have been described including asymptomatic individuals and individuals with mild symptoms of sickle cell disease (e.g. recurrent mild painful episodes including chest and back pain, bilateral renal stones, splenomegaly, and hepatomegaly; Alkindi 2021). Functional study of purified Hb La Desirade indicates instability and a slight decrease in oxygen affinity (Merault 1986). This variant does not separate from hemoglobin A using standard electrophoresis (Alkindi 2021, HbVar ID: 531). This variant is observed on six chromosomes in the Genome Aggregation Database (v2.1.1). Computational analyses predict that this variant is deleterious (REVEL: 0.818). Based on available information, the Hb La Desirade is likely pathogenic for mild sickle cell disease when found in-trans to Hb S. References: Link to HbVar database: Alkindi S et al. Clinical and Laboratory Features of Hemoglobin La Desirade Variant in Association with Sickle Cell and Alpha Thalassemia Genes. Mediterr J Hematol Infect Dis. 2021 Jan 1;13(1):e2021010. PMID: 33489049. Kamseng P et al. Low oxygen saturation and severe anemia in compound heterozygous Hb Louisville (beta42(CD1)Phe>Leu) and Hb La Desirade (beta129(H7)Ala>Val). Hematology. 2017;22(2):114-118. PMID: 27670359. Merault G et al. Hemoglobin La Desirade alpha A2 beta 2 129 (H7) Ala----Val: a new unstable hemoglobin. Hemoglobin. 1986;10(6):593-605. PMID: 3557994.

Fulgent Genetics
Classification: Pathogenic for Heinz body anemia; Hereditary persistence of fetal hemoglobin; Dominant beta-thalassemia; Hb SS disease; Malaria, susceptibility to; Beta-thalassemia HBB/LCRB; METHEMOGLOBINEMIA, BETA TYPE; Erythrocytosis, familial, 6. Last evaluated: 2024-04-23. Review status: criteria provided, single submitter. Criteria: ACMG Guidelines, 2015. Collection method: clinical testing. Allele origin: germline.

Labcorp Genetics (formerly Invitae), Labcorp
Classification: Pathogenic. Last evaluated: 2023-05-28. Review status: criteria provided, single submitter. Criteria: Invitae Variant Classification Sherloc (09022015). Collection method: clinical testing. Allele origin: germline.
Comment: This missense change has been observed in individual(s) with sickle cell anemia (PMID: 33489049). In at least one individual the data is consistent with being in trans (on the opposite chromosome) from a pathogenic variant. It has also been observed to segregate with disease in related individuals. This variant has been reported in individual(s) with autosomal recessive beta thalassemia (PMID: 3557994, 27670359); however, the role of the variant in this condition is currently unclear. This variant is also known as Hb La Desirade. ClinVar contains an entry for this variant (Variation ID: 15245). Advanced modeling of protein sequence and biophysical properties (such as structural, functional, and spatial information, amino acid conservation, physicochemical variation, residue mobility, and thermodynamic stability) has been performed at Invitae for this missense variant, however the output from this modeling did not meet the statistical confidence thresholds required to predict the impact of this variant on HBB protein function. For these reasons, this variant has been classified as Pathogenic. This variant is present in population databases (rs111645889, gnomAD 0.02%). This sequence change replaces alanine, which is neutral and non-polar, with valine, which is neutral and non-polar, at codon 130 of the HBB protein (p.Ala130Val).

Blueprint Genetics
Classification: Uncertain significance. Last evaluated: 2020-11-19. Review status: criteria provided, single submitter. Criteria: ACMG Guidelines, 2015. Collection method: clinical testing. Allele origin: germline.

Baylor Genetics
Classification: Likely pathogenic for Hb SS disease. Review status: criteria provided, single submitter. Criteria: ACMG Guidelines, 2015. Collection method: clinical testing. Allele origin: germline.

Molecular Genetics Laboratory, BC Children's and BC Women's Hospitals
Classification: Likely pathogenic for beta Thalassemia. Last evaluated: 2026-01-30. Review status: no assertion criteria provided. Criteria: ACMG Guidelines, 2015. Collection method: clinical testing. Allele origin: germline. Not counted in ClinVar's aggregate classification.

OMIM
Classification: other for HEMOGLOBIN LA DESIRADE. Last evaluated: 2017-12-12. Review status: no assertion criteria provided. Collection method: literature only. Allele origin: germline. Not counted in ClinVar's aggregate classification.

Literature cited by the submitters: PubMed 11373853 (cited by Natera, Inc.); PubMed 33489049 (cited by 4 submitters); PubMed 3557994 (cited by 4 submitters); PubMed 20437613 (cited by Women's Health and Genetics/Laboratory Corporation of America, LabCorp and Quest Diagnostics Nichols Institute San Juan Capistrano); PubMed 17932132 (cited by Women's Health and Genetics/Laboratory Corporation of America, LabCorp and Quest Diagnostics Nichols Institute San Juan Capistrano); PubMed 22995479 (cited by Women's Health and Genetics/Laboratory Corporation of America, LabCorp); PubMed 25677748 (cited by Women's Health and Genetics/Laboratory Corporation of America, LabCorp and Quest Diagnostics Nichols Institute San Juan Capistrano); PubMed 26635043 (cited by Women's Health and Genetics/Laboratory Corporation of America, LabCorp and Quest Diagnostics Nichols Institute San Juan Capistrano); PubMed 15727901 (cited by Women's Health and Genetics/Laboratory Corporation of America, LabCorp and Quest Diagnostics Nichols Institute San Juan Capistrano); PubMed 27670359 (cited by 3 submitters); PubMed 26594346 (cited by Women's Health and Genetics/Laboratory Corporation of America, LabCorp and Quest Diagnostics Nichols Institute San Juan Capistrano); PubMed 31553106 (cited by Women's Health and Genetics/Laboratory Corporation of America, LabCorp and Quest Diagnostics Nichols Institute San Juan Capistrano); PubMed 32411010 (cited by Women's Health and Genetics/Laboratory Corporation of America, LabCorp and Quest Diagnostics Nichols Institute San Juan Capistrano); PubMed 37845805 (cited by Women's Health and Genetics/Laboratory Corporation of America, LabCorp and Quest Diagnostics Nichols Institute San Juan Capistrano); PubMed 35143361 (cited by Women's Health and Genetics/Laboratory Corporation of America, LabCorp and Quest Diagnostics Nichols Institute San Juan Capistrano); PubMed 24652967 (cited by Quest Diagnostics Nichols Institute San Juan Capistrano); PubMed 30626236 (cited by Quest Diagnostics Nichols Institute San Juan Capistrano); PubMed 21423179 (cited by Quest Diagnostics Nichols Institute San Juan Capistrano).